The following is an entry in ClinVar:

ClinVar aggregate classification (germline): Uncertain significance (1 of 4 stars; one submission).

Allele frequency attached by ClinVar (database versions not stated): gnomAD exomes 0.00003; TOPMed below 0.00001; ExAC 0.00002; gnomAD 0.00002.
gnomAD v4.1: 49 of 1,613,402 alleles (0.003%); highest among the groups gnomAD compares: East Asian, 0.04%; no homozygotes.

Submission:

Labcorp Genetics (formerly Invitae), Labcorp
Classification: Uncertain significance. Last evaluated: 2025-11-23. Review status: criteria provided, single submitter. Criteria: Invitae Variant Classification Sherloc (09022015). Collection method: clinical testing. Allele origin: germline.
Comment: This sequence change replaces glycine, which is neutral and non-polar, with glutamic acid, which is acidic and polar, at codon 366 of the CFH protein (p.Gly366Glu). This variant is present in population databases (rs767431440, gnomAD 0.01%). This variant has not been reported in the literature in individuals affected with CFH-related conditions. ClinVar contains an entry for this variant (Variation ID: 1512782). An algorithm developed to predict the effect of missense changes on protein structure and function outputs the following: PolyPhen-2: "Benign". The glutamic acid amino acid residue is found in multiple mammalian species, which suggests that this missense change does not adversely affect protein function. In summary, the available evidence is currently insufficient to determine the role of this variant in disease. Therefore, it has been classified as a Variant of Uncertain Significance.

NM_000186.4(CFH):c.1097G>A (p.Gly366Glu)

Gene: CFH (complement factor H; plus strand). Cytogenetic location: 1q31.3.
Variant type: single nucleotide variant.
Coding change: c.1097G>A on transcript NM_000186.4 (MANE Select); coding-DNA position 1097, G replaced by A.
Protein change: p.Gly366Glu; replaces glycine 366 with glutamic acid.
Molecular consequence: missense variant.
Genome position (GRCh38, 1-based): chr1:196,689,552, G>A. VCF-style: chr1-196689552-G-A. GRCh37 (hg19) VCF-style: chr1-196658682-G-A.
Other names: c.1097G>A, p.Gly366Glu (NM_001014975.3); short protein forms G366E.
Identifiers: ClinVar variation 1512782 (VCV001512782.6), dbSNP rs767431440, ClinGen allele CA1305238.
Genomic context (GRCh38, chr1:196,689,552, plus strand): 5'-CAGTAGCTGTAGGAAAATATTACTCCTATTACTGTGATGAACATTTTGAGACTCCGTCAG[G>A]AAGTTACTGGGATCACATTCATTGCACACAAGATGGATGGTCGCCAGCAGTACCATGCCT-3'
Protein context (NP_000177.2, residues 356-376): YCDEHFETPS[Gly366Glu]SYWDHIHCTQ